The following is an entry in ClinVar:

NM_021813.4(BACH2):c.878T>G (p.Leu293Arg)

Gene: BACH2 (BACH transcriptional regulator 2; minus strand). Cytogenetic location: 6q15.
Variant type: single nucleotide variant.
Coding change: c.878T>G on transcript NM_021813.4 (MANE Select); coding-DNA position 878, T replaced by G.
Protein change: p.Leu293Arg; replaces leucine 293 with arginine.
Molecular consequence: missense variant.
Genome position (GRCh38, 1-based): chr6:89,951,228, A>C on the plus strand (T>G on the coding strand, the complement: BACH2 is on the minus strand). VCF-style: chr6-89951228-A-C. GRCh37 (hg19) VCF-style: chr6-90660947-A-C.
Other names: c.878T>G, p.Leu293Arg (NM_001170794.2); short protein forms L293R.
Identifiers: ClinVar variation 2840560 (VCV002840560.3), dbSNP rs2533566958, ClinGen allele CA365072028.
Genomic context (GRCh38, chr6:89,951,228, plus strand): 5'-TGTTTCCGGTCCATCTCGACATCCCCCGCTCTGTCCTTGGCGTCAGGCTCATCTCCAGAC[A>C]GGCAGAGCGTGATGCTCTCTTCCTCATTCTCTTCACTGGGCGGCTCACTTTTAATCTGCC-3'
Protein context (NP_068585.1, residues 283-303): ENEEESITLC[Leu293Arg]SGDEPDAKDR

ClinVar aggregate classification (germline): Uncertain significance (1 of 4 stars; one submission).

Allele frequency attached by ClinVar (database versions not stated): gnomAD exomes below 0.00001.
gnomAD v4.1: 1 of 1,614,070 alleles (0.000062%); highest among the groups gnomAD compares: Non-Finnish European, 0.000085%; no homozygotes.

Submission:

Labcorp Genetics (formerly Invitae), Labcorp
Classification: Uncertain significance. Last evaluated: 2023-02-24. Review status: criteria provided, single submitter. Criteria: Invitae Variant Classification Sherloc (09022015). Collection method: clinical testing. Allele origin: germline.
Comment: In summary, the available evidence is currently insufficient to determine the role of this variant in disease. Therefore, it has been classified as a Variant of Uncertain Significance. Advanced modeling of protein sequence and biophysical properties (such as structural, functional, and spatial information, amino acid conservation, physicochemical variation, residue mobility, and thermodynamic stability) performed at Invitae indicates that this missense variant is not expected to disrupt BACH2 protein function. This variant has not been reported in the literature in individuals affected with BACH2-related conditions. This variant is not present in population databases (gnomAD no frequency). This sequence change replaces leucine, which is neutral and non-polar, with arginine, which is basic and polar, at codon 293 of the BACH2 protein (p.Leu293Arg).